The following is an entry in ClinVar:

NM_000145.4(FSHR):c.1666G>C (p.Val556Leu)

Gene: FSHR (follicle stimulating hormone receptor; minus strand). Cytogenetic location: 2p16.3.
Variant type: single nucleotide variant.
Coding change: c.1666G>C on transcript NM_000145.4 (MANE Select); coding-DNA position 1666, G replaced by C.
Protein change: p.Val556Leu; replaces valine 556 with leucine.
Molecular consequence: missense variant.
Genome position (GRCh38, 1-based): chr2:48,963,155, C>G on the plus strand (G>C on the coding strand, the complement: FSHR is on the minus strand). VCF-style: chr2-48963155-C-G. GRCh37 (hg19) VCF-style: chr2-49190294-C-G.
Other names: c.1588G>C, p.Val530Leu (NM_181446.3); short protein forms V530L, V556L.
Identifiers: ClinVar variation 3381985 (VCV003381985.2).

ClinVar aggregate classification (germline): Uncertain significance (1 of 4 stars; one submission).

Conditions:
Ovarian dysgenesis 1 (ODG1). Also called: Gonadal dysgenesis XX type deafness; GONADAL DYSGENESIS, XX TYPE; OVARIAN DYSGENESIS, HYPERGONADOTROPIC, AUTOSOMAL RECESSIVE; OVARIAN DYSGENESIS, HYPERGONADOTROPIC, WITH NORMAL KARYOTYPE; OVARIAN FAILURE, HYPERGONADOTROPIC. Identifiers: Orphanet 243, MedGen C0949595, MONDO:0024463, OMIM 233300.

Submission:

Juno Genomics, Hangzhou Juno Genomics, Inc
Classification: Uncertain significance for Ovarian dysgenesis 1. Review status: criteria provided, single submitter. Criteria: ACMG Guidelines, 2015. Collection method: clinical testing. Allele origin: germline. Affected: yes.
Comment: Absent from controls (or at extremely low frequency if recessive) in Genome Aggregation Database, Exome Sequencing Project, 1000 Genomes Project, or Exome Aggregation Consortium.;For recessive disorders, detected in trans with a pathogenic variant.;Patient's phenotype or family history is highly specific for a disease with a single genetic etiology.